The following is an entry in ClinVar:

NM_001018005.2(TPM1):c.563+297A>G

Gene: TPM1 (tropomyosin 1; plus strand). Cytogenetic location: 15q22.2.
Variant type: single nucleotide variant.
Coding change: c.563+297A>G on transcript NM_001018005.2 (MANE Select); 297 bases into the intron after coding-DNA position 563, A replaced by G.
Molecular consequence: intron variant. On other transcripts: missense variant (21), non-coding transcript variant (16).
Genome position (GRCh38, 1-based): chr15:63,061,236, A>G. VCF-style: chr15-63061236-A-G. GRCh37 (hg19) VCF-style: chr15-63353435-A-G.
Other names: c.602A>G, p.Asp201Gly (NM_000366.6, NM_001018006.2, NM_001018020.2 and 10 more transcripts); c.494A>G, p.Asp165Gly (NM_001330344.2, NM_001330351.2, NM_001365781.2 and 3 more transcripts); c.728A>G, p.Asp243Gly (NM_001407322.1, NM_001407323.1); c.689+297A>G (NM_001365778.1, NM_001407324.1); c.563+297A>G (NM_001407338.1, NM_001018007.2, NM_001365776.1 and 7 more transcripts); c.455+297A>G (NM_001018008.2, NM_001301289.2, NM_001365782.1 and 3 more transcripts); short protein forms D165G, D201G, D243G.
Identifiers: ClinVar variation 3253544 (VCV003253544.1), dbSNP rs2542816473.

ClinVar aggregate classification (germline): Uncertain significance (1 of 4 stars; one submission).

Submission:

GeneDx
Classification: Uncertain significance. Last evaluated: 2024-04-10. Review status: criteria provided, single submitter. Criteria: GeneDx Variant Classification Process June 2021. Collection method: clinical testing. Allele origin: germline. Affected: yes.
Comment: Not observed at significant frequency in large population cohorts (gnomAD); In silico analysis supports that this missense variant has a deleterious effect on protein structure/function; Has not been previously published as pathogenic or benign to our knowledge; Reported using an alternate transcript of the gene